The following is an entry in ClinVar:

NM_000213.5(ITGB4):c.282C>T (p.Thr94=)

Gene: ITGB4 (integrin subunit beta 4; plus strand). Cytogenetic location: 17q25.1.
Variant type: single nucleotide variant.
Coding change: c.282C>T on transcript NM_000213.5 (MANE Select); coding-DNA position 282, C replaced by T.
Protein change: p.Thr94=; no amino-acid change (threonine 94 retained).
Molecular consequence: synonymous variant.
Genome position (GRCh38, 1-based): chr17:75,727,668, C>T. VCF-style: chr17-75727668-C-T. GRCh37 (hg19) VCF-style: chr17-73723749-C-T.
Other names: c.282C>T, p.Thr94= (NM_001005619.2, NM_001005731.3, NM_001321123.2).
Identifiers: ClinVar variation 325122 (VCV000325122.15), dbSNP rs146609350, ClinGen allele CA8768624.

ClinVar aggregate classification (germline): Benign/Likely benign. Review status: criteria provided, multiple submitters, no conflicts (2 of 4 stars). 4 submissions from 4 submitters: Benign (1); Likely benign (3). Last evaluated 2026-01-21.

Conditions:
Junctional epidermolysis bullosa with pyloric atresia. Also called: CARMI SYNDROME; EPIDERMOLYSIS BULLOSA, JUNCTIONAL 5B, WITH PYLORIC ATRESIA; APLASIA CUTIS CONGENITA WITH GASTROINTESTINAL ATRESIA; EB-PA-ACC; ITGB4-Related Epidermolysis Bullosa with Pyloric Atresia; Epidermolysis bullosa, junctional, with pyloric atresia and aplasia cutis congenita. Identifiers: Orphanet 79403, MedGen C5676875, MONDO:0009183, OMIM 226730.

Allele frequency attached by ClinVar (database versions not stated): gnomAD exomes 0.00013 and 0.00040; ExAC 0.00080; gnomAD 0.00143; ESP Exome Variant Server 0.00162; TOPMed 0.00173; 1000 Genomes Project 30x 0.00328; 1000 Genomes Project 0.00339.
gnomAD v4.1: 424 of 1,607,750 alleles (0.026%); highest among the groups gnomAD compares: African/African-American, 0.45%; 1 homozygote.

Submissions (4):

Labcorp Genetics (formerly Invitae), Labcorp
Classification: Benign. Last evaluated: 2026-01-21. Review status: criteria provided, single submitter. Criteria: Invitae Variant Classification Sherloc (09022015). Collection method: clinical testing. Allele origin: germline.

Blueprint Genetics
Classification: Likely benign. Last evaluated: 2024-11-01. Review status: criteria provided, single submitter. Criteria: ACMG Guidelines, 2015. Collection method: clinical testing. Allele origin: germline.

Illumina Laboratory Services, Illumina
Classification: Likely benign for Junctional epidermolysis bullosa with pyloric atresia. Last evaluated: 2018-01-13. Review status: criteria provided, single submitter. Criteria: ICSL Variant Classification Criteria 13 December 2019. Collection method: clinical testing. Allele origin: germline.
Comment: This variant was observed in the ICSL laboratory as part of a predisposition screen in an ostensibly healthy population. It had not been previously curated by ICSL or reported in the Human Gene Mutation Database (HGMD: prior to June 1st, 2018), and was therefore a candidate for classification through an automated scoring system. Utilizing variant allele frequency, disease prevalence and penetrance estimates, and inheritance mode, an automated score was calculated to assess if this variant is too frequent to cause the disease. Based on the score and internal cut-off values, a variant classified as likely benign is not then subjected to further curation. The score for this variant resulted in a classification of likely benign for this disease.

Breakthrough Genomics
Classification: Likely benign. Review status: criteria provided, single submitter. Criteria: ACMG Guidelines, 2015. Collection method: not provided. Allele origin: germline. Inheritance: Autosomal recessive inheritance. Affected: yes.